The following is an entry in ClinVar:

ClinVar aggregate classification (germline): Pathogenic/Likely pathogenic. Review status: criteria provided, multiple submitters, no conflicts (2 of 4 stars). 3 submissions from 3 submitters: Pathogenic (2); Likely pathogenic (1). Last evaluated 2025-12-22.

Conditions:
Epidermolysis bullosa dystrophica. Also called: Dystrophic epidermolysis bullosa, Hallopeau-Siemens type (formerly); Dystrophic epidermolysis bullosa. Identifiers: Orphanet 303, MedGen C0079294, MONDO:0006543.

Allele frequency attached by ClinVar (database versions not stated): gnomAD exomes 0.00001.
gnomAD v4.1: 12 of 1,612,520 alleles (0.00074%); highest among the groups gnomAD compares: Non-Finnish European, 0.001%; no homozygotes.

Submissions (3):

Labcorp Genetics (formerly Invitae), Labcorp
Classification: Pathogenic. Last evaluated: 2025-12-22. Review status: criteria provided, single submitter. Criteria: Invitae Variant Classification Sherloc (09022015). Collection method: clinical testing. Allele origin: germline.
Comment: This sequence change affects a donor splice site in intron 20 of the COL7A1 gene. It is expected to disrupt RNA splicing. Variants that disrupt the donor or acceptor splice site typically lead to a loss of protein function (PMID: 16199547), and loss-of-function variants in COL7A1 are known to be pathogenic (PMID: 16971478). This variant is not present in population databases (gnomAD no frequency). Disruption of this splice site has been observed in individual(s) with autosomal recessive dystrophic epidermolysis bullosa and/or non-Hallopeau-Siemens dystrophic epidermolysis bullosa (PMID: 16971478, 26763448). This variant is also known as IVS20+2T.C. ClinVar contains an entry for this variant (Variation ID: 431993). Algorithms developed to predict the effect of sequence changes on RNA splicing suggest that this variant may disrupt the consensus splice site. For these reasons, this variant has been classified as Pathogenic.

Natera, Inc.
Classification: Likely pathogenic for Dystrophic epidermolysis bullosa. Last evaluated: 2025-03-14. Review status: criteria provided, single submitter. Criteria: Natera Variant Classification Schema (03/2026). Collection method: clinical testing. Allele origin: germline.
Comment: The c.2710+2T>C variant in COL7A1 is a canonical splice donor site variant predicted to affect pre-mRNA splicing, which may result in an abnormal transcript and altered protein product. This variant may result in a truncated or dysfunctional protein product. This variant is rare in the general population with a frequency below the threshold expected for the associated phenotype(s). This variant has been observed in one or more individuals affected with the associated recessive disease, as either homozygous or compound heterozygous with a second variant (PMID: 16971478, 26763448, 31557321). Given the available evidence, this variant is classified as Likely Pathogenic.

GeneDx
Classification: Pathogenic. Last evaluated: 2022-09-12. Review status: criteria provided, single submitter. Criteria: GeneDx Variant Classification Process June 2021. Collection method: clinical testing. Allele origin: germline. Affected: yes.
Comment: Canonical splice site variant predicted to result in an in-frame deletion of exon 20; Not observed in large population cohorts (gnomAD); This variant is associated with the following publications: (PMID: 25525159, 31326396, 26763448, 16971478)

Literature cited by the submitters: PubMed 16199547 (cited by Labcorp Genetics (formerly Invitae), Labcorp); PubMed 16971478 (cited by Labcorp Genetics (formerly Invitae), Labcorp and Natera, Inc.); PubMed 26763448 (cited by Labcorp Genetics (formerly Invitae), Labcorp and Natera, Inc.); PubMed 31557321 (cited by Natera, Inc.).

NM_000094.4(COL7A1):c.2710+2T>C

Gene: COL7A1 (collagen type VII alpha 1 chain; minus strand). Cytogenetic location: 3p21.31.
Variant type: single nucleotide variant.
Coding change: c.2710+2T>C on transcript NM_000094.4 (MANE Select); the canonical splice donor site of the intron after coding-DNA position 2710, T replaced by C.
Molecular consequence: splice donor variant.
Genome position (GRCh38, 1-based): chr3:48,588,280, A>G on the plus strand (T>C on the coding strand, the complement: COL7A1 is on the minus strand). VCF-style: chr3-48588280-A-G. GRCh37 (hg19) VCF-style: chr3-48625713-A-G.
Identifiers: ClinVar variation 431993 (VCV000431993.13), dbSNP rs1553613528, ClinGen allele CA352716869.
Genomic context (GRCh38, chr3:48,588,280, plus strand): 5'-GCGGAGTCTGCCACAGCCCTGCCCCCAATGGTCCCTAACTTCCTCCTGGGGACACCTCTC[A>G]CCCTCAGGTTGCCAGTGCAGAAGGAAGCCCTGCGCTCTGGGCACCGGCTCCCAGCGCAGC-3'